The following is an entry in ClinVar:

ClinVar aggregate classification (germline): Conflicting classifications of pathogenicity. Review status: criteria provided, conflicting classifications (1 of 4 stars). 2 submissions from 2 submitters: Likely pathogenic (1); Uncertain significance (1). Last evaluated 2023-06-22.

Conditions:
Hereditary cancer-predisposing syndrome. Also called: Tumor predisposition; Hereditary Cancer Syndrome; Neoplastic Syndromes, Hereditary; Hereditary neoplastic syndrome. Identifiers: Orphanet 140162, MedGen C0027672, MeSH D009386, MONDO:0015356.
Familial cancer of breast. Also called: Hereditary breast cancer; BREAST CANCER, FAMILIAL; hereditary breast carcinoma. Identifiers: Orphanet 227535, MedGen C0346153, MONDO:0016419, OMIM 114480. Disease mechanism: loss of function.

Submissions (2):

Myriad Genetics, Inc.
Classification: Likely pathogenic for Familial cancer of breast. Last evaluated: 2023-06-22. Review status: criteria provided, single submitter. Criteria: Myriad Autosomal Dominant, Autosomal Recessive and X-Linked Classification Criteria (2023). Collection method: clinical testing. Allele origin: unknown.
Comment: This variant is considered likely pathogenic. This variant is located within the gene translation start codon (p.Met1?) and is predicted to result in abnormal protein translation.

Ambry Genetics
Classification: Uncertain significance for Hereditary cancer-predisposing syndrome. Last evaluated: 2017-10-20. Review status: criteria provided, single submitter. Criteria: Ambry Variant Classification Scheme 2023. Collection method: clinical testing. Allele origin: germline.
Comment: The c.1_3delATGinsTTT variant, located in coding exon 1 of the CHEK2 gene, results from an in-frame deletion of ATG and insertion of TTT at nucleotide positions 1 to 3. This alters the methionine at the translation initiation codon (p.M1?). Variations that modify the initiation codon (ATG) are expected to result in either loss of translation initiation, N-terminal truncation, or cause a shift in the mRNA reading frame; however there is an alternate in-frame methionine 45 amino acids from the initiation site, and the significance of the N-terminus for this protein is not well established. Since supporting evidence is limited at this time, the clinical significance of this alteration remains unclear.

Literature cited by the submitters: PubMed 12024051 (cited by Ambry Genetics).

NM_007194.4(CHEK2):c.1_3delinsTTT (p.Met1Phe)

Gene: CHEK2 (checkpoint kinase 2; minus strand). Cytogenetic location: 22q12.1.
Variant type: Indel.
Coding change: c.1_3delinsTTT on transcript NM_007194.4 (MANE Select); coding-DNA positions 1 to 3, ATG replaced by TTT.
Protein change: p.Met1Phe; changes the start codon (methionine 1).
Molecular consequence: missense variant, initiator codon variant.
Genome position (GRCh38, 1-based): chr22:28,734,719-28,734,721, CAT replaced by AAA on the plus strand (ATG replaced by TTT on the coding strand, the reverse complement: CHEK2 is on the minus strand). VCF-style: chr22-28734719-CAT-AAA. GRCh37 (hg19) VCF-style: chr22-29130707-CAT-AAA.
Other names: c.1_3delATGinsTTT, p.Met1Phe (NM_001005735.3, NM_001349956.3, NM_145862.3); c.-777_-775delATGinsTTT (NM_001257387.3); short protein forms M1F.
Identifiers: ClinVar variation 1794563 (VCV001794563.5), dbSNP rs2518136497, ClinGen allele CA2580099481.